The following is an entry in ClinVar:

NM_014629.4(ARHGEF10):c.314C>T (p.Pro105Leu)

Gene: ARHGEF10 (Rho guanine nucleotide exchange factor 10; plus strand). Cytogenetic location: 8p23.3.
Variant type: single nucleotide variant.
Coding change: c.314C>T on transcript NM_014629.4 (MANE Select); coding-DNA position 314, C replaced by T.
Protein change: p.Pro105Leu; replaces proline 105 with leucine.
Molecular consequence: missense variant.
Genome position (GRCh38, 1-based): chr8:1,860,017, C>T. VCF-style: chr8-1860017-C-T. GRCh37 (hg19) VCF-style: chr8-1808183-C-T.
Other names: c.314C>T, p.Pro105Leu (NM_001308153.3, NM_001308152.2); short protein forms P105L, P129L.
Identifiers: ClinVar variation 2533792 (VCV002533792.5), dbSNP rs766570885, ClinGen allele CA4599714.

ClinVar aggregate classification (germline): Uncertain significance. Review status: criteria provided, multiple submitters, no conflicts (2 of 4 stars). 2 submissions from 2 submitters: Uncertain significance (2). Last evaluated 2023-06-17.

Allele frequency attached by ClinVar (database versions not stated): ExAC 0.00001; gnomAD 0.00001; gnomAD exomes 0.00002; TOPMed 0.00003.
gnomAD v4.1: 29 of 1,614,008 alleles (0.0018%); highest among the groups gnomAD compares: African/African-American, 0.0053%; no homozygotes.

Submissions (2):

Labcorp Genetics (formerly Invitae), Labcorp
Classification: Uncertain significance. Last evaluated: 2023-06-17. Review status: criteria provided, single submitter. Criteria: Invitae Variant Classification Sherloc (09022015). Collection method: clinical testing. Allele origin: germline.
Comment: This sequence change replaces proline, which is neutral and non-polar, with leucine, which is neutral and non-polar, at codon 105 of the ARHGEF10 protein (p.Pro105Leu). This variant is present in population databases (rs766570885, gnomAD 0.004%). This variant has not been reported in the literature in individuals affected with ARHGEF10-related conditions. Algorithms developed to predict the effect of missense changes on protein structure and function output the following: SIFT: "Not Available"; PolyPhen-2: "Benign"; Align-GVGD: "Not Available". The leucine amino acid residue is found in multiple mammalian species, which suggests that this missense change does not adversely affect protein function. In summary, the available evidence is currently insufficient to determine the role of this variant in disease. Therefore, it has been classified as a Variant of Uncertain Significance.

Ambry Genetics
Classification: Uncertain significance. Last evaluated: 2023-04-06. Review status: criteria provided, single submitter. Criteria: Ambry Variant Classification Scheme 2023. Collection method: clinical testing. Allele origin: germline.